The following is an entry in ClinVar:

NM_000143.4(FH):c.1168A>T (p.Asn390Tyr)

Gene: FH (fumarate hydratase; minus strand). Cytogenetic location: 1q43.
Variant type: single nucleotide variant.
Coding change: c.1168A>T on transcript NM_000143.4 (MANE Select); coding-DNA position 1168, A replaced by T.
Protein change: p.Asn390Tyr; replaces asparagine 390 with tyrosine.
Molecular consequence: missense variant.
Genome position (GRCh38, 1-based): chr1:241,502,511, T>A on the plus strand (A>T on the coding strand, the complement: FH is on the minus strand). VCF-style: chr1-241502511-T-A. GRCh37 (hg19) VCF-style: chr1-241665811-T-A.
Other names: short protein forms N390Y.
Identifiers: ClinVar variation 3515118 (VCV003515118.3), dbSNP rs863223974.

ClinVar aggregate classification (germline): Conflicting classifications of pathogenicity. Review status: criteria provided, conflicting classifications (1 of 4 stars). 2 submissions from 2 submitters: Likely pathogenic (1); Uncertain significance (1). Last evaluated 2024-11-27.

Conditions:
Hereditary cancer-predisposing syndrome. Also called: Tumor predisposition; Neoplastic Syndromes, Hereditary; Hereditary Cancer Syndrome; Hereditary neoplastic syndrome. Identifiers: Orphanet 140162, MedGen C0027672, MeSH D009386, MONDO:0015356.

gnomAD v4.1: 1 of 1,614,140 alleles (0.000062%); highest among the groups gnomAD compares: Admixed American, 0.0017%; no homozygotes.

Submissions (2):

Ambry Genetics
Classification: Uncertain significance for Hereditary cancer-predisposing syndrome. Last evaluated: 2024-11-27. Review status: criteria provided, single submitter. Criteria: Ambry Variant Classification Scheme 2023. Collection method: clinical testing. Allele origin: germline.
Comment: The p.N390Y variant (also known as c.1168A>T), located in coding exon 8 of the FH gene, results from an A to T substitution at nucleotide position 1168. The asparagine at codon 390 is replaced by tyrosine, an amino acid with dissimilar properties. This amino acid position is highly conserved in available vertebrate species. In addition, this alteration is predicted to be deleterious by in silico analysis. Based on the available evidence, the clinical significance of this variant remains unclear.

Labcorp Genetics (formerly Invitae), Labcorp
Classification: Likely pathogenic. Last evaluated: 2024-05-12. Review status: criteria provided, single submitter. Criteria: Invitae Variant Classification Sherloc (09022015). Collection method: clinical testing. Allele origin: germline.
Comment: This sequence change replaces asparagine, which is neutral and polar, with tyrosine, which is neutral and polar, at codon 390 of the FH protein (p.Asn390Tyr). This variant is present in population databases (no rsID available, gnomAD 0.003%). This variant has not been reported in the literature in individuals affected with FH-related conditions. Advanced modeling of protein sequence and biophysical properties (such as structural, functional, and spatial information, amino acid conservation, physicochemical variation, residue mobility, and thermodynamic stability) performed at Invitae indicates that this missense variant is expected to disrupt FH protein function with a positive predictive value of 95%. This variant disrupts the p.Asn390Lys amino acid residue in FH. Other variant(s) that disrupt this residue have been determined to be pathogenic (Invitae). This suggests that this residue is clinically significant, and that variants that disrupt this residue are likely to be disease-causing. In summary, the currently available evidence indicates that the variant is pathogenic, but additional data are needed to prove that conclusively. Therefore, this variant has been classified as Likely Pathogenic.